The following is an entry in ClinVar:

NM_001042492.3(NF1):c.8161-12T>C

Gene: NF1 (neurofibromin 1; plus strand). Cytogenetic location: 17q11.2.
Variant type: single nucleotide variant.
Coding change: c.8161-12T>C on transcript NM_001042492.3 (MANE Select); 12 bases into the intron before coding-DNA position 8161, T replaced by C.
Molecular consequence: intron variant.
Genome position (GRCh38, 1-based): chr17:31,360,475, T>C. VCF-style: chr17-31360475-T-C. GRCh37 (hg19) VCF-style: chr17-29687493-T-C.
Other names: c.8098-12T>C (NM_000267.4).
Identifiers: ClinVar variation 2875196 (VCV002875196.4), dbSNP rs542362140, ClinGen allele CA8487773.
Genomic context (GRCh38, chr17:31,360,475, plus strand): 5'-AATATTTTTGGCTTCAGATGGGGATTTACTTAAAAAAAAGGAACTAAAATAATTTCCTAT[T>C]TTCCATTACAGCAAACACAAATTCCAGACTATGCTGAGCTTATTGTTAAGTTTCTTGATG-3'

ClinVar aggregate classification (germline): Likely benign. Review status: criteria provided, multiple submitters, no conflicts (2 of 4 stars). 2 submissions from 2 submitters: Likely benign (2). Last evaluated 2026-09-22.

Conditions:
Neurofibromatosis, type 1 (NF1). Also called: VON RECKLINGHAUSEN DISEASE; NEUROFIBROMATOSIS, TYPE I, SOMATIC; Peripheral type neurofibromatosis; Neurofibromatosis, type I. Identifiers: Orphanet 636, MedGen C0027831, MONDO:0018975, OMIM 162200. Disease mechanism: loss of function.

Allele frequency attached by ClinVar (database versions not stated): 1000 Genomes Project 0.00020; ExAC 0.00001; 1000 Genomes Project 30x 0.00016; gnomAD 0.00001.
gnomAD v4.1: 1 of 1,612,226 alleles (0.000062%); highest among the groups gnomAD compares: Admixed American, 0.0017%; no homozygotes.

Submissions (2):

Myriad Genetics, Inc.
Classification: Likely benign for Neurofibromatosis, type 1. Last evaluated: 2026-09-22. Review status: criteria provided, single submitter. Criteria: Myriad Autosomal Dominant, Autosomal Recessive and X-Linked Classification Criteria (2023). Collection method: clinical testing. Allele origin: unknown.
Comment: This variant is considered likely benign. This variant is intronic and is not expected to impact mRNA splicing.

Labcorp Genetics (formerly Invitae), Labcorp
Classification: Likely benign for Neurofibromatosis, type 1. Last evaluated: 2024-12-26. Review status: criteria provided, single submitter. Criteria: Invitae Variant Classification Sherloc (09022015). Collection method: clinical testing. Allele origin: germline.